The following is an entry in ClinVar:

ClinVar aggregate classification (germline): Uncertain significance (1 of 4 stars; one submission).

Submission:

GeneDx
Classification: Uncertain significance. Last evaluated: 2025-02-04. Review status: criteria provided, single submitter. Criteria: GeneDx Variant Classification Process June 2021. Collection method: clinical testing. Allele origin: germline. Affected: yes.
Comment: Not observed at significant frequency in large population cohorts (gnomAD); In silico analysis indicates that this variant does not alter splicing; Has not been previously published as pathogenic or benign to our knowledge

NM_012232.6(CAVIN1):c.339G>A (p.Lys113=)

Gene: CAVIN1 (caveolae associated protein 1; minus strand). Cytogenetic location: 17q21.2.
Variant type: single nucleotide variant.
Coding change: c.339G>A on transcript NM_012232.6 (MANE Select); coding-DNA position 339, G replaced by A.
Protein change: p.Lys113=; no amino-acid change (lysine 113 retained).
Molecular consequence: synonymous variant.
Genome position (GRCh38, 1-based): chr17:42,422,759, C>T on the plus strand (G>A on the coding strand, the complement: CAVIN1 is on the minus strand). VCF-style: chr17-42422759-C-T. GRCh37 (hg19) VCF-style: chr17-40574777-C-T.
Identifiers: ClinVar variation 4072824 (VCV004072824.1).